The following is an entry in ClinVar:

ClinVar aggregate classification (germline): Uncertain significance. Review status: criteria provided, multiple submitters, no conflicts (2 of 4 stars). 3 submissions from 3 submitters: Uncertain significance (3). Last evaluated 2026-09-07.

Conditions:
Familial cancer of breast. Also called: Hereditary breast cancer; BREAST CANCER, FAMILIAL; hereditary breast carcinoma. Identifiers: Orphanet 227535, MedGen C0346153, MONDO:0016419, OMIM 114480. Disease mechanism: loss of function.
Hereditary cancer-predisposing syndrome. Also called: Hereditary Cancer Syndrome; Tumor predisposition; Neoplastic Syndromes, Hereditary; Hereditary neoplastic syndrome. Identifiers: Orphanet 140162, MedGen C0027672, MeSH D009386, MONDO:0015356.

Submissions (3):

Ambry Genetics
Classification: Uncertain significance for Hereditary cancer-predisposing syndrome. Last evaluated: 2026-09-07. Review status: criteria provided, single submitter. Criteria: Ambry Variant Classification Scheme 2023. Collection method: clinical testing. Allele origin: germline.
Comment: The p.I730T variant (also known as c.2189T>C), located in coding exon 5 of the PALB2 gene, results from a T to C substitution at nucleotide position 2189. The isoleucine at codon 730 is replaced by threonine, an amino acid with similar properties. This amino acid position is conserved. In addition, this alteration is predicted to be tolerated by in silico analysis. Based on the available evidence, the clinical significance of this variant remains unclear.

GeneDx
Classification: Uncertain significance. Last evaluated: 2023-10-03. Review status: criteria provided, single submitter. Criteria: GeneDx Variant Classification Process June 2021. Collection method: clinical testing. Allele origin: germline. Affected: yes.
Comment: Not observed at significant frequency in large population cohorts (gnomAD); In silico analysis supports that this missense variant has a deleterious effect on protein structure/function; Has not been previously published as pathogenic or benign to our knowledge; This variant is associated with the following publications: (PMID: 22941656)

Labcorp Genetics (formerly Invitae), Labcorp
Classification: Uncertain significance for Familial cancer of breast. Last evaluated: 2022-10-04. Review status: criteria provided, single submitter. Criteria: Invitae Variant Classification Sherloc (09022015). Collection method: clinical testing. Allele origin: germline.
Comment: ClinVar contains an entry for this variant (Variation ID: 1524491). This variant has not been reported in the literature in individuals affected with PALB2-related conditions. This variant is not present in population databases (gnomAD no frequency). This sequence change replaces isoleucine, which is neutral and non-polar, with threonine, which is neutral and polar, at codon 730 of the PALB2 protein (p.Ile730Thr). In summary, the available evidence is currently insufficient to determine the role of this variant in disease. Therefore, it has been classified as a Variant of Uncertain Significance. Advanced modeling of protein sequence and biophysical properties (such as structural, functional, and spatial information, amino acid conservation, physicochemical variation, residue mobility, and thermodynamic stability) performed at Invitae indicates that this missense variant is not expected to disrupt PALB2 protein function.

NM_024675.4(PALB2):c.2189T>C (p.Ile730Thr)

Gene: PALB2 (partner and localizer of BRCA2; minus strand). Cytogenetic location: 16p12.2.
Variant type: single nucleotide variant.
Coding change: c.2189T>C on transcript NM_024675.4 (MANE Select); coding-DNA position 2189, T replaced by C.
Protein change: p.Ile730Thr; replaces isoleucine 730 with threonine.
Molecular consequence: missense variant.
Genome position (GRCh38, 1-based): chr16:23,629,965, A>G on the plus strand (T>C on the coding strand, the complement: PALB2 is on the minus strand). VCF-style: chr16-23629965-A-G. GRCh37 (hg19) VCF-style: chr16-23641286-A-G.
Other names: c.2189T>C (NM_024675.3); short protein forms I730T.
Identifiers: ClinVar variation 1524491 (VCV001524491.9), dbSNP rs2142378728, ClinGen allele CA395125613.